The following is an entry in ClinVar:

NM_000381.4(MID1):c.1178C>T (p.Thr393Ile)

Gene: MID1 (midline 1; minus strand). Cytogenetic location: Xp22.2.
Variant type: single nucleotide variant.
Coding change: c.1178C>T on transcript NM_000381.4 (MANE Select); coding-DNA position 1178, C replaced by T.
Protein change: p.Thr393Ile; replaces threonine 393 with isoleucine.
Molecular consequence: missense variant.
Genome position (GRCh38, 1-based): chrX:10,469,804, G>A on the plus strand (C>T on the coding strand, the complement: MID1 is on the minus strand). VCF-style: chrX-10469804-G-A. GRCh37 (hg19) VCF-style: chrX-10437844-G-A.
Other names: c.1178C>T, p.Thr393Ile (NM_001098624.2, NM_001193277.1, NM_001193279.1 and 2 more transcripts); c.1331C>T, p.Thr444Ile (NM_001193278.1); c.1064C>T, p.Thr355Ile (NM_001193280.1, NM_033289.2); c.1178C>T (NM_000381.2); short protein forms T355I, T393I, T444I.
Identifiers: ClinVar variation 1741284 (VCV001741284.3), dbSNP rs2518993360, ClinGen allele CA412052328.

ClinVar aggregate classification (germline): Uncertain significance. Review status: criteria provided, multiple submitters, no conflicts (2 of 4 stars). 2 submissions from 2 submitters: Uncertain significance (2). Last evaluated 2024-04-22.

Conditions:
Inborn genetic diseases. Identifiers: MedGen C0950123, MeSH D030342.

Allele frequency attached by ClinVar (database versions not stated): gnomAD exomes below 0.00001.
gnomAD v4.1: 1 of 1,211,440 alleles (0.000083%); highest among the groups gnomAD compares: Non-Finnish European, 0.00011%; no homozygotes.

Submissions (2):

GeneDx
Classification: Uncertain significance. Last evaluated: 2024-04-22. Review status: criteria provided, single submitter. Criteria: GeneDx Variant Classification Process June 2021. Collection method: clinical testing. Allele origin: germline. Affected: yes.
Comment: Not observed at significant frequency in large population cohorts (gnomAD); In silico analysis supports that this missense variant has a deleterious effect on protein structure/function; Has not been previously published as pathogenic or benign to our knowledge

Ambry Genetics
Classification: Uncertain significance for Inborn genetic diseases. Last evaluated: 2022-02-24. Review status: criteria provided, single submitter. Criteria: Ambry Variant Classification Scheme 2023. Collection method: clinical testing. Allele origin: germline.
Comment: The p.T393I variant (also known as c.1178C>T), located in coding exon 6 of the MID1 gene, results from a C to T substitution at nucleotide position 1178. The threonine at codon 393 is replaced by isoleucine, an amino acid with similar properties. This amino acid position is highly conserved in available vertebrate species. In addition, the in silico prediction for this alteration is inconclusive. Since supporting evidence is limited at this time, the clinical significance of this alteration remains unclear.